The following is an entry in ClinVar:

NM_000059.4(BRCA2):c.316+1del

Gene: BRCA2 (BRCA2 DNA repair associated; plus strand). Cytogenetic location: 13q13.1.
Variant type: Deletion.
Coding change: c.316+1del on transcript NM_000059.4 (MANE Select); the canonical splice donor site of the intron after coding-DNA position 316, one base deleted (G; older notation c.316+1delG).
Molecular consequence: splice donor variant.
Genome position (GRCh38, 1-based): chr13:32,319,326, G deleted; the last of 2 consecutive G bases (chr13:32,319,325-32,319,326); deleting either gives the same sequence. VCF-style (leftmost placement, unchanged base first): chr13-32319324-AG-A. GRCh37 (hg19) VCF-style: chr13-32893461-AG-A.
Other names: c.316+1del (NM_001406720.1, NM_001406719.1, NM_001406721.1); c.-54+1del (NM_001406722.1).
Identifiers: ClinVar variation 1728298 (VCV001728298.2), dbSNP rs2548511601, ClinGen allele CA2580087078.

ClinVar aggregate classification (germline): Likely pathogenic (1 of 4 stars; one submission).

Conditions:
Hereditary cancer-predisposing syndrome. Also called: Tumor predisposition; Neoplastic Syndromes, Hereditary; Hereditary Cancer Syndrome; Hereditary neoplastic syndrome. Identifiers: Orphanet 140162, MedGen C0027672, MeSH D009386, MONDO:0015356.

Submission:

Ambry Genetics
Classification: Likely pathogenic for Hereditary cancer-predisposing syndrome. Last evaluated: 2019-10-10. Review status: criteria provided, single submitter. Criteria: Ambry Variant Classification Scheme 2023. Collection method: clinical testing. Allele origin: germline.
Comment: The c.316+1delG intronic variant, located in intron 2 of the BRCA2 gene, results from a deletion of one nucleotide within intron 2 of the BRCA2 gene. This nucleotide position is well conserved in available vertebrate species. Using the BDGP and ESEfinder splice site prediction tools, this alteration is predicted to create a new alternate splice donor site; however, direct evidence is unavailable. Alterations that disrupt the canonical splice site are expected to cause aberrant splicing, resulting in an abnormal protein or a transcript that is subject to nonsense-mediated mRNA decay. As such, this alteration is classified as likely pathogenic.